The following is an entry in ClinVar:

NM_024334.3(TMEM43):c.413A>G (p.Gln138Arg)

Gene: TMEM43 (transmembrane protein 43; plus strand). Cytogenetic location: 3p25.1.
Variant type: single nucleotide variant.
Coding change: c.413A>G on transcript NM_024334.3 (MANE Select); coding-DNA position 413, A replaced by G.
Protein change: p.Gln138Arg; replaces glutamine 138 with arginine.
Molecular consequence: missense variant.
Genome position (GRCh38, 1-based): chr3:14,132,566, A>G. VCF-style: chr3-14132566-A-G. GRCh37 (hg19) VCF-style: chr3-14174066-A-G.
Other names: short protein forms Q138R.
Identifiers: ClinVar variation 46146 (VCV000046146.59), dbSNP rs397517384, ClinGen allele CA024682.
Genomic context (GRCh38, chr3:14,132,566, plus strand): 5'-GACGAGGCTAACCCCCGTGGCTGCTTTGCTTTCCCTGCAGGGAGTACACCGAGGATGGGC[A>G]GGTGAAGAAGGAGACGAGGTATTCCTACAGTGAGTGCTGGGCCCCTTACGTGGTCTCTGC-3'
Protein context (NP_077310.1, residues 128-148): EESREYTEDG[Gln138Arg]VKKETRYSYN

ClinVar aggregate classification (germline): Conflicting classifications of pathogenicity. Review status: criteria provided, conflicting classifications (1 of 4 stars). 8 submissions from 8 submitters: Uncertain significance (4); Likely benign (4). Last evaluated 2026-05-04.

Conditions:
Cardiovascular phenotype. Identifiers: MedGen CN230736.
Cardiomyopathy (CMYO). Also called: Cardiomyopathies. Identifiers: Orphanet 167848, MedGen C0878544, MONDO:0004994, HP:0001638. Inheritance: Various modes of inheritance.
Arrhythmogenic right ventricular dysplasia 5. Also called: Arrhythmogenic Right Ventricular Dysplasia/Cardiomyopathy 5; ARRHYTHMOGENIC RIGHT VENTRICULAR DYSPLASIA, FAMILIAL, 5. Identifiers: MedGen C1858379, MONDO:0011459, OMIM 604400.

Allele frequency attached by ClinVar (database versions not stated): TOPMed 0.00002; gnomAD 0.00003 and 0.00004; gnomAD exomes 0.00003 and 0.00006; ExAC 0.00008.
gnomAD v4.1: 48 of 1,614,030 alleles (0.003%); highest among the groups gnomAD compares: Non-Finnish European, 0.0035%; no homozygotes.

Submissions (8):

Women's Health and Genetics/Laboratory Corporation of America, LabCorp
Classification: Likely benign. Last evaluated: 2026-05-04. Review status: criteria provided, single submitter. Criteria: LabCorp Variant Classification Summary - May 2015. Collection method: clinical testing. Allele origin: germline.
Comment: Variant summary: TMEM43 c.413A>G (p.Gln138Arg) results in a conservative amino acid change in the encoded protein sequence. Algorithms developed to predict the effect of missense changes on protein structure and function are either unavailable or do not agree on the potential impact of this missense change. The variant allele was found at a frequency of 5.6e-05 in 251388 control chromosomes. The observed variant frequency exceeds the estimated maximal expected allele frequency for disease-causing variants in TMEM43. To our knowledge, c.413A>G has not been observed in individuals affected with Arrhythmogenic Right Ventricular Dysplasia/Cardiomyopathy and no experimental evidence demonstrating an impact on protein function has been reported. The following publications have been ascertained in the context of this evaluation (PMID: 38813989, 31517061). ClinVar contains an entry for this variant (Variation ID: 46146). Based on the evidence outlined above, the variant was classified as likely benign.

Labcorp Genetics (formerly Invitae), Labcorp
Classification: Uncertain significance for Arrhythmogenic right ventricular dysplasia 5. Last evaluated: 2025-02-18. Review status: criteria provided, single submitter. Criteria: Invitae Variant Classification Sherloc (09022015). Collection method: clinical testing. Allele origin: germline.
Comment: This sequence change replaces glutamine, which is neutral and polar, with arginine, which is basic and polar, at codon 138 of the TMEM43 protein (p.Gln138Arg). This variant is present in population databases (rs397517384, gnomAD 0.01%). This variant has not been reported in the literature in individuals affected with TMEM43-related conditions. ClinVar contains an entry for this variant (Variation ID: 46146). Invitae Evidence Modeling of protein sequence and biophysical properties (such as structural, functional, and spatial information, amino acid conservation, physicochemical variation, residue mobility, and thermodynamic stability) indicates that this missense variant is not expected to disrupt TMEM43 protein function with a negative predictive value of 80%. In summary, the available evidence is currently insufficient to determine the role of this variant in disease. Therefore, it has been classified as a Variant of Uncertain Significance.

All of Us Research Program, National Institutes of Health
Classification: Uncertain significance for Arrhythmogenic right ventricular dysplasia 5. Last evaluated: 2024-05-14. Review status: criteria provided, single submitter. Criteria: ACMG Guidelines, 2015. Collection method: clinical testing. Allele origin: germline. Inheritance: Autosomal dominant inheritance. Observed: 18 variant alleles, 18 heterozygotes.
Comment: This missense variant replaces glutamine with arginine at codon 138 of the TMEM43 protein. Computational prediction suggests that this variant may not impact protein structure and function (internally defined REVEL score threshold <= 0.5, PMID: 27666373). To our knowledge, functional studies have not been reported for this variant. This variant has not been reported in individuals affected with TMEM43-related disorders in the literature. This variant has been identified in 14/251388 chromosomes in the general population by the Genome Aggregation Database (gnomAD). The available evidence is insufficient to determine the role of this variant in disease conclusively. Therefore, this variant is classified as a Variant of Uncertain Significance.

This study involves interpretation of variants in research participants for the purpose of population health screening. Participant phenotype was not available at the time of variant classification. Additional details can be found in publication PMID: 35346344, PMCID: PMC8962531

Color Diagnostics, LLC DBA Color Health
Classification: Uncertain significance for Cardiomyopathy. Last evaluated: 2024-03-06. Review status: criteria provided, single submitter. Criteria: ACMG Guidelines, 2015. Collection method: clinical testing. Allele origin: germline.
Comment: This missense variant replaces glutamine with arginine at codon 138 of the TMEM43 protein. Computational prediction suggests that this variant may not impact protein structure and function (internally defined REVEL score threshold <= 0.5, PMID: 27666373). To our knowledge, functional studies have not been reported for this variant. This variant has not been reported in individuals affected with TMEM43-related disorders in the literature. This variant has been identified in 14/251388 chromosomes in the general population by the Genome Aggregation Database (gnomAD). The available evidence is insufficient to determine the role of this variant in disease conclusively. Therefore, this variant is classified as a Variant of Uncertain Significance.

Blueprint Genetics
Classification: Likely benign. Last evaluated: 2024-01-19. Review status: criteria provided, single submitter. Criteria: ACMG Guidelines, 2015. Collection method: clinical testing. Allele origin: germline.

CeGaT Center for Human Genetics Tuebingen
Classification: Likely benign. Last evaluated: 2022-10-01. Review status: criteria provided, single submitter. Criteria: CeGaT Center For Human Genetics Tuebingen Variant Classification Criteria Version 2. Collection method: clinical testing. Allele origin: germline. Affected: yes. Observed: 1 variant allele.
Comment: TMEM43: BP4, BS2

Ambry Genetics
Classification: Likely benign for Cardiovascular phenotype. Last evaluated: 2022-06-08. Review status: criteria provided, single submitter. Criteria: Ambry Variant Classification Scheme 2023. Collection method: clinical testing. Allele origin: germline.

Laboratory for Molecular Medicine, Mass General Brigham Personalized Medicine
Classification: Uncertain significance. Last evaluated: 2014-09-25. Review status: criteria provided, single submitter. Criteria: LMM Criteria. Collection method: clinical testing. Allele origin: germline. Observed: 4 variant alleles.
Comment: The Gln138Arg variant in TMEM43 has been identified by our laboratory in 2 indiv iduals with cardiomyopathy (1 with DCM and 1 with HCM who carried a pathogenic v ariant in another gene) and segregated with disease in 1 affected relative with DCM. Computational prediction tools and conservation analysis suggest that this variant may not impact the protein, though this information is not predictive en ough to rule out pathogenicity. In summary, the clinical significance of the Gln 138Arg variant is uncertain.

Literature cited by the submitters: PubMed 31517061 (cited by Women's Health and Genetics/Laboratory Corporation of America, LabCorp); PubMed 38813989 (cited by Women's Health and Genetics/Laboratory Corporation of America, LabCorp).